The following is an entry in ClinVar:

ClinVar aggregate classification (germline): Uncertain significance (1 of 4 stars; one submission).

Submission:

CeGaT Center for Human Genetics Tuebingen
Classification: Uncertain significance. Last evaluated: 2026-09-01. Review status: criteria provided, single submitter. Criteria: CeGaT Center For Human Genetics Tuebingen Variant Classification Criteria Version 2. Collection method: clinical testing. Allele origin: germline. Affected: yes. Observed: 1 variant allele.
Comment: CTNND2: PM2

NM_001332.4(CTNND2):c.1147G>T (p.Ala383Ser)

Gene: CTNND2 (catenin delta 2; minus strand). Cytogenetic location: 5p15.2.
Variant type: single nucleotide variant.
Coding change: c.1147G>T on transcript NM_001332.4 (MANE Select); coding-DNA position 1147, G replaced by T.
Protein change: p.Ala383Ser; replaces alanine 383 with serine.
Molecular consequence: missense variant. On other transcripts: intron variant (3).
Genome position (GRCh38, 1-based): chr5:11,384,695, C>A on the plus strand (G>T on the coding strand, the complement: CTNND2 is on the minus strand). VCF-style: chr5-11384695-C-A. GRCh37 (hg19) VCF-style: chr5-11384807-C-A.
Other names: c.874G>T, p.Ala292Ser (NM_001288715.1); c.-123+12336G>T (NM_001288717.2); c.167-19805G>T (NM_001364128.2, NM_001288716.1); short protein forms A292S, A383S.
Identifiers: ClinVar variation 5041838 (VCV005041838.1).